The following is an entry in ClinVar:

NM_015311.3(OBSL1):c.136G>C (p.Glu46Gln)

Gene: OBSL1 (obscurin like cytoskeletal adaptor 1; minus strand). Cytogenetic location: 2q35.
Variant type: single nucleotide variant.
Coding change: c.136G>C on transcript NM_015311.3 (MANE Select); coding-DNA position 136, G replaced by C.
Protein change: p.Glu46Gln; replaces glutamic acid 46 with glutamine.
Molecular consequence: missense variant.
Genome position (GRCh38, 1-based): chr2:219,571,097, C>G on the plus strand (G>C on the coding strand, the complement: OBSL1 is on the minus strand). VCF-style: chr2-219571097-C-G. GRCh37 (hg19) VCF-style: chr2-220435819-C-G.
Other names: c.136G>C, p.Glu46Gln (NM_001173408.2, NM_001173431.2); short protein forms E46Q.
Identifiers: ClinVar variation 1491698 (VCV001491698.6), dbSNP rs1026599495, ClinGen allele CA66039177.

ClinVar aggregate classification (germline): Uncertain significance (1 of 4 stars; one submission).

Allele frequency attached by ClinVar (database versions not stated): gnomAD 0.00001; TOPMed 0.00001.

Submission:

Labcorp Genetics (formerly Invitae), Labcorp
Classification: Uncertain significance. Last evaluated: 2022-06-27. Review status: criteria provided, single submitter. Criteria: Invitae Variant Classification Sherloc (09022015). Collection method: clinical testing. Allele origin: germline.
Comment: In summary, the available evidence is currently insufficient to determine the role of this variant in disease. Therefore, it has been classified as a Variant of Uncertain Significance. Algorithms developed to predict the effect of missense changes on protein structure and function are either unavailable or do not agree on the potential impact of this missense change (SIFT: "Deleterious"; PolyPhen-2: "Benign"; Align-GVGD: "Class C0"). This variant has not been reported in the literature in individuals affected with OBSL1-related conditions. This variant is present in population databases (no rsID available, gnomAD 0.01%). This sequence change replaces glutamic acid, which is acidic and polar, with glutamine, which is neutral and polar, at codon 46 of the OBSL1 protein (p.Glu46Gln).